The following is an entry in ClinVar:

NM_001368397.1(FRMPD4):c.928G>A (p.Val310Ile)

Gene: FRMPD4 (FERM and PDZ domain containing 4; plus strand). Cytogenetic location: Xp22.2.
Variant type: single nucleotide variant.
Coding change: c.928G>A on transcript NM_001368397.1 (MANE Select); coding-DNA position 928, G replaced by A.
Protein change: p.Val310Ile; replaces valine 310 with isoleucine.
Molecular consequence: missense variant.
Genome position (GRCh38, 1-based): chrX:12,694,449, G>A. VCF-style: chrX-12694449-G-A. GRCh37 (hg19) VCF-style: chrX-12712568-G-A.
Other names: c.1039G>A, p.Val347Ile (NM_001368395.3, NM_001368398.3); c.934G>A, p.Val312Ile (NM_001368396.3); c.919G>A, p.Val307Ile (NM_001368399.3); c.808G>A, p.Val270Ile (NM_001368400.3); c.904G>A, p.Val302Ile (NM_001368401.1, NM_001368402.3); c.928G>A, p.Val310Ile (NM_014728.3); short protein forms V270I, V302I, V307I, V310I, V312I, V347I.
Identifiers: ClinVar variation 1187162 (VCV001187162.3), dbSNP rs2147124913, ClinGen allele CA412008263.

ClinVar aggregate classification (germline): Conflicting classifications of pathogenicity. Review status: criteria provided, conflicting classifications (1 of 4 stars). 2 submissions from 2 submitters: Uncertain significance (1); Likely benign (1). Last evaluated 2025-01-29.

Submissions (2):

Greenwood Genetic Center Diagnostic Laboratories, Greenwood Genetic Center
Classification: Uncertain significance. Last evaluated: 2025-01-29. Review status: criteria provided, single submitter. Criteria: ACMG Guidelines, 2015. Collection method: clinical testing. Allele origin: germline.
Comment: PM2

GeneDx
Classification: Likely benign. Last evaluated: 2020-11-03. Review status: criteria provided, single submitter. Criteria: GeneDx Variant Classification Process June 2021. Collection method: clinical testing. Allele origin: germline. Affected: yes.
Comment: Not observed in large population cohorts (Lek et al., 2016); In silico analysis supports that this missense variant does not alter protein structure/function; Has not been previously published as pathogenic or benign to our knowledge